The following is an entry in ClinVar:

ClinVar aggregate classification (germline): Uncertain significance (1 of 4 stars; one submission).

Conditions:
Inborn genetic diseases. Identifiers: MedGen C0950123, MeSH D030342.

Submission:

Ambry Genetics
Classification: Uncertain significance for Inborn genetic diseases. Last evaluated: 2026-06-19. Review status: criteria provided, single submitter. Criteria: Ambry Variant Classification Scheme 2023. Collection method: clinical testing. Allele origin: germline.
Comment: The p.G1201A variant (also known as c.3602G>C), located in coding exon 33 of the RTEL1 gene, results from a G to C substitution at nucleotide position 3602. The glycine at codon 1201 is replaced by alanine, an amino acid with similar properties. This amino acid position is conserved. In addition, this alteration is predicted to be tolerated by in silico analysis. Based on the available evidence, the clinical significance of this variant remains unclear.

NM_001283009.2(RTEL1):c.3602G>C (p.Gly1201Ala)

Genes: RTEL1 (regulator of telomere elongation helicase 1; plus strand), RTEL1-TNFRSF6B (RTEL1-TNFRSF6B readthrough (NMD candidate); plus strand). Cytogenetic location: 20q13.33.
Variant type: single nucleotide variant.
Coding change: c.3602G>C on transcript NM_001283009.2 (MANE Select); coding-DNA position 3602, G replaced by C.
Protein change: p.Gly1201Ala; replaces glycine 1201 with alanine.
Molecular consequence: missense variant. On other transcripts: non-coding transcript variant (1).
Genome position (GRCh38, 1-based): chr20:63,695,430, G>C. VCF-style: chr20-63695430-G-C. GRCh37 (hg19) VCF-style: chr20-62326783-G-C.
Other names: c.2933G>C, p.Gly978Ala (NM_001283010.1); c.3602G>C, p.Gly1201Ala (NM_016434.4); c.3674G>C, p.Gly1225Ala (NM_032957.5); short protein forms G1225A, G1201A, G978A.
Identifiers: ClinVar variation 5028460 (VCV005028460.1).